The following is an entry in ClinVar:

NM_001029.5(RPS26):c.61A>C (p.Ile21Leu)

Gene: RPS26 (ribosomal protein S26; plus strand). Cytogenetic location: 12q13.2.
Variant type: single nucleotide variant.
Coding change: c.61A>C on transcript NM_001029.5 (MANE Select); coding-DNA position 61, A replaced by C.
Protein change: p.Ile21Leu; replaces isoleucine 21 with leucine.
Molecular consequence: missense variant.
Genome position (GRCh38, 1-based): chr12:56,042,482, A>C. VCF-style: chr12-56042482-A-C. GRCh37 (hg19) VCF-style: chr12-56436266-A-C.
Other names: short protein forms I21L.
Identifiers: ClinVar variation 1327064 (VCV001327064.1), dbSNP rs1392801928, ClinGen allele CA385326380.

ClinVar aggregate classification (germline): Uncertain significance (1 of 4 stars; one submission).

Conditions:
Diamond-Blackfan anemia 10 (DBA10). Also called: RPS26-Related Diamond-Blackfan Anemia. Identifiers: Orphanet 124, MedGen C2750080, MONDO:0013217, OMIM 613309.

Allele frequency attached by ClinVar (database versions not stated): gnomAD exomes below 0.00001.
gnomAD v4.1: 2 of 1,610,774 alleles (0.00012%); highest among the groups gnomAD compares: Non-Finnish European, 0.000085%; no homozygotes.

Submission:

Baylor Genetics
Classification: Uncertain significance for Diamond-Blackfan anemia 10. Last evaluated: 2021-06-29. Review status: criteria provided, single submitter. Criteria: ACMG Guidelines, 2015. Collection method: clinical testing. Allele origin: unknown. Affected: yes. Study: CSER-TexasKidsCanSeq.
Comment: This variant was determined to be of uncertain significance according to ACMG Guidelines, 2015 [PMID:25741868].